The following is an entry in ClinVar:

ClinVar aggregate classification (germline): Uncertain significance (1 of 4 stars; one submission).

Conditions:
Atrial septal defect 5 (ASD5). Identifiers: Orphanet 1478, MedGen C2748552, MONDO:0013011, OMIM 612794.
Dilated cardiomyopathy 1R (CMD1R). Identifiers: Orphanet 154, Orphanet 54260, MedGen C3150681, MONDO:0013261, OMIM 613424.
Hypertrophic cardiomyopathy 11. Also called: ACTC1-Related Familial Hypertrophic Cardiomyopathy. Identifiers: MedGen C2677506, MONDO:0012799, OMIM 612098.

Submission:

Labcorp Genetics (formerly Invitae), Labcorp
Classification: Uncertain significance for Dilated cardiomyopathy 1R; Hypertrophic cardiomyopathy 11; Atrial septal defect 5. Last evaluated: 2021-09-15. Review status: criteria provided, single submitter. Criteria: Invitae Variant Classification Sherloc (09022015). Collection method: clinical testing. Allele origin: germline.
Comment: This sequence change replaces threonine with alanine at codon 188 of the ACTC1 protein (p.Thr188Ala). The threonine residue is highly conserved and there is a small physicochemical difference between threonine and alanine. This variant is not present in population databases (ExAC no frequency). This variant has not been reported in the literature in individuals affected with ACTC1-related conditions. Algorithms developed to predict the effect of missense changes on protein structure and function are either unavailable or do not agree on the potential impact of this missense change (SIFT: "Deleterious"; PolyPhen-2: "Benign"; Align-GVGD: "Class C55"). In summary, the available evidence is currently insufficient to determine the role of this variant in disease. Therefore, it has been classified as a Variant of Uncertain Significance.

NM_005159.5(ACTC1):c.562A>G (p.Thr188Ala)

Genes: ACTC1 (actin alpha cardiac muscle 1; minus strand), GJD2-DT (GJD2 divergent transcript; plus strand). Cytogenetic location: 15q14.
Variant type: single nucleotide variant.
Coding change: c.562A>G on transcript NM_005159.5 (MANE Select); coding-DNA position 562, A replaced by G.
Protein change: p.Thr188Ala; replaces threonine 188 with alanine.
Molecular consequence: missense variant.
Genome position (GRCh38, 1-based): chr15:34,792,462, T>C on the plus strand (A>G on the coding strand, the complement: ACTC1 is on the minus strand). VCF-style: chr15-34792462-T-C. GRCh37 (hg19) VCF-style: chr15-35084663-T-C.
Other names: c.562A>G (LRG_388t1); short protein forms T188A.
Identifiers: ClinVar variation 478617 (VCV000478617.6), dbSNP rs1555418824, ClinGen allele CA391630964.